The following is an entry in ClinVar:

ClinVar aggregate classification (germline): Likely benign (1 of 4 stars; one submission).

Allele frequency attached by ClinVar (database versions not stated): gnomAD 0.00007; gnomAD exomes 0.00008; TOPMed 0.00008.
gnomAD v4.1: 123 of 1,612,748 alleles (0.0076%); highest among the groups gnomAD compares: Non-Finnish European, 0.01%; no homozygotes.

Submission:

CeGaT Center for Human Genetics Tuebingen
Classification: Likely benign. Last evaluated: 2022-08-01. Review status: criteria provided, single submitter. Criteria: CeGaT Center For Human Genetics Tuebingen Variant Classification Criteria Version 2. Collection method: clinical testing. Allele origin: germline. Affected: yes. Observed: 1 variant allele.
Comment: INAVA: BP4, BP7

NM_001142569.3(INAVA):c.1080G>A (p.Leu360=)

Gene: INAVA (innate immunity activator; plus strand). Cytogenetic location: 1q32.1.
Variant type: single nucleotide variant.
Coding change: c.1080G>A on transcript NM_001142569.3 (MANE Select); coding-DNA position 1080, G replaced by A.
Protein change: p.Leu360=; no amino-acid change (leucine 360 retained).
Molecular consequence: synonymous variant.
Genome position (GRCh38, 1-based): chr1:200,911,573, G>A. VCF-style: chr1-200911573-G-A. GRCh37 (hg19) VCF-style: chr1-200880701-G-A.
Other names: c.1080G>A, p.Leu360= (NM_001367289.1); c.543G>A, p.Leu181= (NM_001367290.1); c.1335G>A, p.Leu445= (NM_018265.4).
Identifiers: ClinVar variation 2639730 (VCV002639730.24), dbSNP rs777677539, ClinGen allele CA1320054.